The following is an entry in ClinVar:

NM_001615.4(ACTG2):c.805+4A>G

Gene: ACTG2 (actin gamma 2, smooth muscle; plus strand). Cytogenetic location: 2p13.1.
Variant type: single nucleotide variant.
Coding change: c.805+4A>G on transcript NM_001615.4 (MANE Select); 4 bases into the intron after coding-DNA position 805, A replaced by G.
Molecular consequence: intron variant.
Genome position (GRCh38, 1-based): chr2:73,914,875, A>G. VCF-style: chr2-73914875-A-G. GRCh37 (hg19) VCF-style: chr2-74142002-A-G.
Other names: c.676+4A>G (NM_001199893.2).
Identifiers: ClinVar variation 1810618 (VCV001810618.1), dbSNP rs1188664556, ClinGen allele CA533697905.

ClinVar aggregate classification (germline): Uncertain significance (1 of 4 stars; one submission).

Allele frequency attached by ClinVar (database versions not stated): TOPMed below 0.00001; gnomAD 0.00001; gnomAD exomes 0.00001.
gnomAD v4.1: 6 of 1,570,948 alleles (0.00038%); highest among the groups gnomAD compares: Non-Finnish European, 0.00052%; no homozygotes.

Submission:

GeneDx
Classification: Uncertain significance. Last evaluated: 2022-07-06. Review status: criteria provided, single submitter. Criteria: GeneDx Variant Classification Process June 2021. Collection method: clinical testing. Allele origin: germline. Affected: yes.
Comment: Has not been previously published as pathogenic or benign to our knowledge; In-silico analysis is inconclusive as to whether the variant alters gene splicing. In the absence of RNA/functional studies, the actual effect of this sequence change is unknown.